The following is an entry in ClinVar:

NM_003072.5(SMARCA4):c.3215+24G>A

Gene: SMARCA4 (SWI/SNF related BAF chromatin remodeling complex subunit ATPase 4; plus strand). Cytogenetic location: 19p13.2.
Variant type: single nucleotide variant.
Coding change: c.3215+24G>A on transcript NM_003072.5 (MANE Select); 24 bases into the intron after coding-DNA position 3215, G replaced by A.
Molecular consequence: intron variant.
Genome position (GRCh38, 1-based): chr19:11,026,370, G>A. VCF-style: chr19-11026370-G-A. GRCh37 (hg19) VCF-style: chr19-11137046-G-A.
Other names: c.3215+24G>A (NM_001128844.3, NM_001128849.3, NM_001128847.4 and 6 more transcripts).
Identifiers: ClinVar variation 4843565 (VCV004843565.1).
Genomic context (GRCh38, chr19:11,026,370, plus strand): 5'-CCGAGCACTTGGGGTTCACTGGCGGCATTGTCCAAGGGTGAGAAGCTTCCCAACTGGATG[G>A]GGTGGGCAGGTGGTCCACCCAGAGGTTTTCTGTCGTTTTGTTGGCTTTATTGCTGCTGTT-3'

ClinVar aggregate classification (germline): Uncertain significance (1 of 4 stars; one submission).

Conditions:
Hereditary cancer-predisposing syndrome. Also called: Neoplastic Syndromes, Hereditary; Tumor predisposition; Hereditary Cancer Syndrome; Hereditary neoplastic syndrome. Identifiers: Orphanet 140162, MedGen C0027672, MeSH D009386, MONDO:0015356.

Submission:

Ambry Genetics
Classification: Uncertain significance for Hereditary cancer-predisposing syndrome. Last evaluated: 2025-12-30. Review status: criteria provided, single submitter. Criteria: Ambry Variant Classification Scheme 2023. Collection method: clinical testing. Allele origin: germline.
Comment: The c.3215+24G>A intronic variant results from a G to A substitution 24 nucleotides after coding exon 22 in the SMARCA4 gene. This nucleotide position is not well conserved in available vertebrate species. In silico splice site analysis predicts that this alteration will result in the creation or strengthening of a novel splice donor site. RNA studies have demonstrated that this alteration results in a splice defect; the clinical impact of this abnormal splicing is unknown at this time (Ambry internal data). Based on the available evidence, the clinical significance of this variant remains unclear.